The following is an entry in ClinVar:

NM_006904.7(PRKDC):c.7295A>G (p.Gln2432Arg)

Gene: PRKDC (protein kinase, DNA-activated, catalytic subunit; minus strand). Cytogenetic location: 8q11.21.
Variant type: single nucleotide variant.
Coding change: c.7295A>G on transcript NM_006904.7 (MANE Select); coding-DNA position 7295, A replaced by G.
Protein change: p.Gln2432Arg; replaces glutamine 2432 with arginine.
Molecular consequence: missense variant.
Genome position (GRCh38, 1-based): chr8:47,840,175, T>C on the plus strand (A>G on the coding strand, the complement: PRKDC is on the minus strand). VCF-style: chr8-47840175-T-C. GRCh37 (hg19) VCF-style: chr8-48752736-T-C.
Other names: c.7295A>G, p.Gln2432Arg (NM_001081640.2); short protein forms Q2432R.
Identifiers: ClinVar variation 1758123 (VCV001758123.2), dbSNP rs2551867944, ClinGen allele CA371155399.

ClinVar aggregate classification (germline): Uncertain significance (1 of 4 stars; one submission).

Submission:

Ambry Genetics
Classification: Uncertain significance. Last evaluated: 2021-09-27. Review status: criteria provided, single submitter. Criteria: Ambry Variant Classification Scheme 2023. Collection method: clinical testing. Allele origin: germline.
Comment: The p.Q2432R variant (also known as c.7295A>G), located in coding exon 55 of the PRKDC gene, results from an A to G substitution at nucleotide position 7295. The glutamine at codon 2432 is replaced by arginine, an amino acid with highly similar properties. This amino acid position is conserved. Since supporting evidence is limited at this time, the clinical significance of this alteration remains unclear.